The following is an entry in ClinVar:

NM_152743.4(BRAT1):c.197A>C (p.Gln66Pro)

Gene: BRAT1 (BRCA1 associated ATM activator 1; minus strand). Cytogenetic location: 7p22.3.
Variant type: single nucleotide variant.
Coding change: c.197A>C on transcript NM_152743.4 (MANE Select); coding-DNA position 197, A replaced by C.
Protein change: p.Gln66Pro; replaces glutamine 66 with proline.
Molecular consequence: missense variant. On other transcripts: 5 prime UTR variant (1), non-coding transcript variant (1).
Genome position (GRCh38, 1-based): chr7:2,547,409, T>G on the plus strand (A>C on the coding strand, the complement: BRAT1 is on the minus strand). VCF-style: chr7-2547409-T-G. GRCh37 (hg19) VCF-style: chr7-2587043-T-G.
Other names: c.197A>C, p.Gln66Pro (NM_001350626.2); c.-181A>C (NM_001350627.2); short protein forms Q66P.
Identifiers: ClinVar variation 2809321 (VCV002809321.3), dbSNP rs2534450626, ClinGen allele CA366633239.

ClinVar aggregate classification (germline): Uncertain significance (1 of 4 stars; one submission).

Conditions:
Neonatal-onset encephalopathy with rigidity and seizures. Also called: Lethal neonatal spasticity-epileptic encephalopathy syndrome. Identifiers: Orphanet 435845, MedGen C3281029, MONDO:0013784, OMIM 614498.

Allele frequency attached by ClinVar (database versions not stated): gnomAD exomes below 0.00001.

Submission:

Labcorp Genetics (formerly Invitae), Labcorp
Classification: Uncertain significance for Neonatal-onset encephalopathy with rigidity and seizures. Last evaluated: 2023-01-01. Review status: criteria provided, single submitter. Criteria: Invitae Variant Classification Sherloc (09022015). Collection method: clinical testing. Allele origin: germline.
Comment: In summary, the available evidence is currently insufficient to determine the role of this variant in disease. Therefore, it has been classified as a Variant of Uncertain Significance. Advanced modeling of protein sequence and biophysical properties (such as structural, functional, and spatial information, amino acid conservation, physicochemical variation, residue mobility, and thermodynamic stability) performed at Invitae indicates that this missense variant is not expected to disrupt BRAT1 protein function. This variant has not been reported in the literature in individuals affected with BRAT1-related conditions. This variant is not present in population databases (gnomAD no frequency). This sequence change replaces glutamine, which is neutral and polar, with proline, which is neutral and non-polar, at codon 66 of the BRAT1 protein (p.Gln66Pro).